The following is an entry in ClinVar:

ClinVar aggregate classification (germline): Uncertain significance (1 of 4 stars; one submission).

gnomAD v4.1: 4 of 1,614,040 alleles (0.00025%); highest among the groups gnomAD compares: Non-Finnish European, 0.00034%; no homozygotes.

Submission:

Labcorp Genetics (formerly Invitae), Labcorp
Classification: Uncertain significance. Last evaluated: 2024-11-16. Review status: criteria provided, single submitter. Criteria: Invitae Variant Classification Sherloc (09022015). Collection method: clinical testing. Allele origin: germline.
Comment: This sequence change replaces cysteine, which is neutral and slightly polar, with tyrosine, which is neutral and polar, at codon 372 of the PAFAH1B1 protein (p.Cys372Tyr). This variant is not present in population databases (gnomAD no frequency). This variant has not been reported in the literature in individuals affected with PAFAH1B1-related conditions. An algorithm developed to predict the effect of missense changes on protein structure and function (PolyPhen-2) suggests that this variant is likely to be disruptive. In summary, the available evidence is currently insufficient to determine the role of this variant in disease. Therefore, it has been classified as a Variant of Uncertain Significance.

NM_000430.4(PAFAH1B1):c.1115G>A (p.Cys372Tyr)

Gene: PAFAH1B1 (platelet activating factor acetylhydrolase 1b regulatory subunit 1; plus strand). Cytogenetic location: 17p13.3.
Variant type: single nucleotide variant.
Coding change: c.1115G>A on transcript NM_000430.4 (MANE Select); coding-DNA position 1115, G replaced by A.
Protein change: p.Cys372Tyr; replaces cysteine 372 with tyrosine.
Molecular consequence: missense variant.
Genome position (GRCh38, 1-based): chr17:2,680,276, G>A. VCF-style: chr17-2680276-G-A. GRCh37 (hg19) VCF-style: chr17-2583570-G-A.
Other names: short protein forms C372Y.
Identifiers: ClinVar variation 3626434 (VCV003626434.2).
Genomic context (GRCh38, chr17:2,680,276, plus strand): 5'-TTATTTTGAGTTGTGCTGATGACAAGACCCTACGCGTATGGGATTACAAGAACAAGCGAT[G>A]CATGAAGACCCTCAATGCGCATGAACACTTTGTTACCTCCTTGGGTATGTACGCCTCGCG-3'
Protein context (NP_000421.1, residues 362-382): LRVWDYKNKR[Cys372Tyr]MKTLNAHEHF